The following is an entry in ClinVar:

ClinVar aggregate classification (germline): Uncertain significance (1 of 4 stars; one submission).

Submission:

Labcorp Genetics (formerly Invitae), Labcorp
Classification: Uncertain significance. Last evaluated: 2021-01-12. Review status: criteria provided, single submitter. Criteria: Invitae Variant Classification Sherloc (09022015). Collection method: clinical testing. Allele origin: germline.
Comment: This variant has not been reported in the literature in individuals with PCNT-related conditions. In summary, the available evidence is currently insufficient to determine the role of this variant in disease. Therefore, it has been classified as a Variant of Uncertain Significance. Algorithms developed to predict the effect of missense changes on protein structure and function output the following: SIFT: "Tolerated"; PolyPhen-2: "Possibly Damaging"; Align-GVGD: "Class C0". The glutamine amino acid residue is found in multiple mammalian species, suggesting that this missense change does not adversely affect protein function. These predictions have not been confirmed by published functional studies and their clinical significance is uncertain. This variant is not present in population databases (ExAC no frequency). This sequence change replaces lysine with glutamine at codon 1437 of the PCNT protein (p.Lys1437Gln). The lysine residue is moderately conserved and there is a small physicochemical difference between lysine and glutamine.

NM_006031.6(PCNT):c.4309A>C (p.Lys1437Gln)

Gene: PCNT (pericentrin; plus strand). Cytogenetic location: 21q22.3.
Variant type: single nucleotide variant.
Coding change: c.4309A>C on transcript NM_006031.6 (MANE Select); coding-DNA position 4309, A replaced by C.
Protein change: p.Lys1437Gln; replaces lysine 1437 with glutamine.
Molecular consequence: missense variant.
Genome position (GRCh38, 1-based): chr21:46,397,357, A>C. VCF-style: chr21-46397357-A-C. GRCh37 (hg19) VCF-style: chr21-47817271-A-C.
Other names: c.3955A>C, p.Lys1319Gln (NM_001315529.2); short protein forms K1319Q, K1437Q.
Identifiers: ClinVar variation 1516090 (VCV001516090.8), dbSNP rs2147401506, ClinGen allele CA410578675.